The following is an entry in ClinVar:

NM_006118.4(HAX1):c.727C>T (p.His243Tyr)

Gene: HAX1 (HCLS1 associated protein X-1; plus strand). Cytogenetic location: 1q21.3.
Variant type: single nucleotide variant.
Coding change: c.727C>T on transcript NM_006118.4 (MANE Select); coding-DNA position 727, C replaced by T.
Protein change: p.His243Tyr; replaces histidine 243 with tyrosine.
Molecular consequence: missense variant.
Genome position (GRCh38, 1-based): chr1:154,275,456, C>T. VCF-style: chr1-154275456-C-T. GRCh37 (hg19) VCF-style: chr1-154247932-C-T.
Other names: c.583C>T, p.His195Tyr (NM_001018837.2); short protein forms H195Y, H243Y.
Identifiers: ClinVar variation 3856861 (VCV003856861.1).

ClinVar aggregate classification (germline): Uncertain significance (1 of 4 stars; one submission).

Conditions:
Inborn genetic diseases. Identifiers: MedGen C0950123, MeSH D030342.

Submission:

Ambry Genetics
Classification: Uncertain significance for Inborn genetic diseases. Last evaluated: 2024-12-20. Review status: criteria provided, single submitter. Criteria: Ambry Variant Classification Scheme 2023. Collection method: clinical testing. Allele origin: germline.
Comment: The p.H243Y variant (also known as c.727C>T), located in coding exon 6 of the HAX1 gene, results from a C to T substitution at nucleotide position 727. The histidine at codon 243 is replaced by tyrosine, an amino acid with similar properties. This amino acid position is conserved. In addition, this alteration is predicted to be tolerated by in silico analysis. Based on the available evidence, the clinical significance of this variant remains unclear.